The following is an entry in ClinVar:

ClinVar aggregate classification (germline): Uncertain significance (1 of 4 stars; one submission).

Conditions:
Atrioventricular septal defect 4 (AVSD4). Identifiers: MedGen C3280781, MONDO:0013747, OMIM 614430.

Allele frequency attached by ClinVar (database versions not stated): gnomAD exomes 0.00001.
gnomAD v4.1: 3 of 1,483,010 alleles (0.0002%); highest among the groups gnomAD compares: South Asian, 0.0025%; no homozygotes.

Submission:

Labcorp Genetics (formerly Invitae), Labcorp
Classification: Uncertain significance for Atrioventricular septal defect 4. Last evaluated: 2023-09-29. Review status: criteria provided, single submitter. Criteria: Invitae Variant Classification Sherloc (09022015). Collection method: clinical testing. Allele origin: germline.
Comment: This sequence change replaces alanine, which is neutral and non-polar, with valine, which is neutral and non-polar, at codon 167 of the GATA4 protein (p.Ala167Val). This variant is not present in population databases (gnomAD no frequency). This variant has not been reported in the literature in individuals affected with GATA4-related conditions. Advanced modeling of protein sequence and biophysical properties (such as structural, functional, and spatial information, amino acid conservation, physicochemical variation, residue mobility, and thermodynamic stability) performed at Invitae indicates that this missense variant is not expected to disrupt GATA4 protein function. In summary, the available evidence is currently insufficient to determine the role of this variant in disease. Therefore, it has been classified as a Variant of Uncertain Significance.

NM_001308093.3(GATA4):c.500C>T (p.Ala167Val)

Gene: GATA4 (GATA binding protein 4). Cytogenetic location: 8p23.1.
Variant type: single nucleotide variant.
Coding change: c.500C>T on transcript NM_001308093.3 (MANE Select); coding-DNA position 500, C replaced by T.
Protein change: p.Ala167Val; replaces alanine 167 with valine.
Molecular consequence: missense variant. On other transcripts: intron variant (3).
Genome position (GRCh38, 1-based): chr8:11,708,812, C>T. VCF-style: chr8-11708812-C-T. GRCh37 (hg19) VCF-style: chr8-11566321-C-T.
Other names: c.500C>T, p.Ala167Val (NM_002052.5); c.-6+8034C>T (NM_001308094.2); c.-3+798C>T (NM_001374274.1); c.-3+4508C>T (NM_001374273.1); short protein forms A167V.
Identifiers: ClinVar variation 2713389 (VCV002713389.3), dbSNP rs2486782177, ClinGen allele CA370309757.